The following is an entry in ClinVar:

ClinVar aggregate classification (germline): Uncertain significance (1 of 4 stars; one submission).

Submission:

GeneDx
Classification: Uncertain significance. Last evaluated: 2014-10-03. Review status: criteria provided, single submitter. Criteria: GeneDx Variant Classification (06012015). Collection method: clinical testing. Allele origin: germline. Affected: yes.
Comment: This variant is denoted BRCA1 c.4305C>G at the cDNA level, p.Asp1435Glu (D1435E) at the protein level, and results in the change of an Aspartic Acid to a Glutamic Acid (GAC>GAG). This variant, also known as 4424C>G using alternate nomenclature, has not, to our knowledge, been published in the literature as pathogenic or benign. BRCA1 Asp1435Glu was not observed in approximately 6,500 individuals of European and African American ancestry in the NHLBI Exome Sequencing Project, indicating it is not a common benign variant in these populations. Since Aspartic Acid and Glutamic Acid share similar properties, this is considered a conservative amino acid substitution. BRCA1 Asp1435Glu occurs at a position that is poorly conserved across species and is located in the SCD domain (Roy 2012). In silico analyses predict that this variant is unlikely to alter protein structure or function; however, splicing models predict that this variant may result in a cryptic splice donor site upstream of the natural splice donor site that may impact splicing. Based on currently available information, it is unclear whether BRCA1 Asp1435Glu is pathogenic or benign. We consider it to be a variant of uncertain significance.

NM_007294.4(BRCA1):c.4305C>G (p.Asp1435Glu)

Gene: BRCA1 (BRCA1 DNA repair associated; minus strand). Cytogenetic location: 17q21.31.
Variant type: single nucleotide variant.
Coding change: c.4305C>G on transcript NM_007294.4 (MANE Select); coding-DNA position 4305, C replaced by G.
Protein change: p.Asp1435Glu; replaces aspartic acid 1435 with glutamic acid.
Molecular consequence: missense variant. On other transcripts: non-coding transcript variant (1).
Genome position (GRCh38, 1-based): chr17:43,082,456, G>C on the plus strand (C>G on the coding strand, the complement: BRCA1 is on the minus strand). VCF-style: chr17-43082456-G-C. GRCh37 (hg19) VCF-style: chr17-41234473-G-C.
Other names: p.D1435E:GAC>GAG; c.4095C>G, p.Asp1365Glu (NM_001407884.1, NM_001407885.1, NM_001407886.1 and 9 more transcripts); c.4092C>G, p.Asp1364Glu (NM_001407894.1, NM_001407895.1, NM_001407896.1 and 12 more transcripts); c.4089C>G, p.Asp1363Glu (NM_001407915.1); c.4182C>G, p.Asp1394Glu (NM_001407919.1, NM_001407937.1, NM_001407938.1 and 13 more transcripts); c.4041C>G, p.Asp1347Glu (NM_001407920.1, NM_001407921.1, NM_001407922.1 and 7 more transcripts); c.4038C>G, p.Asp1346Glu (NM_001407930.1, NM_001407931.1, NM_001407932.1 and 3 more transcripts); c.4035C>G, p.Asp1345Glu (NM_001407934.1); and 52 more; short protein forms D1435E, D1388E, D332E, D1139E, D1266E, D1307E, D1346E, D1347E.
Identifiers: ClinVar variation 182080 (VCV000182080.3), dbSNP rs730881445, ClinGen allele CA002759.